The following is an entry in ClinVar:

ClinVar aggregate classification (germline): Uncertain significance (1 of 4 stars; one submission).

Submission:

Labcorp Genetics (formerly Invitae), Labcorp
Classification: Uncertain significance. Last evaluated: 2022-06-26. Review status: criteria provided, single submitter. Criteria: Invitae Variant Classification Sherloc (09022015). Collection method: clinical testing. Allele origin: germline.
Comment: In summary, the available evidence is currently insufficient to determine the role of this variant in disease. Therefore, it has been classified as a Variant of Uncertain Significance. Algorithms developed to predict the effect of missense changes on protein structure and function output the following: SIFT: "Tolerated"; PolyPhen-2: "Benign"; Align-GVGD: "Class C0". The arginine amino acid residue is found in multiple mammalian species, which suggests that this missense change does not adversely affect protein function. This variant has not been reported in the literature in individuals affected with SNIP1-related conditions. This variant is not present in population databases (gnomAD no frequency). This sequence change replaces glycine, which is neutral and non-polar, with arginine, which is basic and polar, at codon 72 of the SNIP1 protein (p.Gly72Arg).

NM_024700.4(SNIP1):c.214G>A (p.Gly72Arg)

Genes: SNIP1 (Smad nuclear interacting protein 1; minus strand), LOC129930156 (ATAC-STARR-seq lymphoblastoid silent region 673; plus strand). Cytogenetic location: 1p34.3.
Variant type: single nucleotide variant.
Coding change: c.214G>A on transcript NM_024700.4 (MANE Select); coding-DNA position 214, G replaced by A.
Protein change: p.Gly72Arg; replaces glycine 72 with arginine.
Molecular consequence: missense variant.
Genome position (GRCh38, 1-based): chr1:37,554,016, C>T on the plus strand (G>A on the coding strand, the complement: SNIP1 is on the minus strand). VCF-style: chr1-37554016-C-T. GRCh37 (hg19) VCF-style: chr1-38019617-C-T.
Other names: short protein forms G72R.
Identifiers: ClinVar variation 2007748 (VCV002007748.4), dbSNP rs2522388423, ClinGen allele CA339429693.